The following is an entry in ClinVar:

ClinVar aggregate classification (germline): Pathogenic/Likely pathogenic. Review status: criteria provided, multiple submitters, no conflicts (2 of 4 stars). 5 submissions from 5 submitters: Pathogenic (2); Likely pathogenic (2). 1 of the submissions does not count toward it. Last evaluated 2025-12-15.

Conditions:
VPS13B-related disorder. Also called: VPS13B-related condition.
Cohen syndrome (COH1). Also called: Cutis verticis gyrata, retinitis pigmentosa, and sensorineural deafness; PEPPER SYNDROME. Identifiers: Orphanet 193, MedGen C0265223, MONDO:0008999, OMIM 216550.

Submissions (5):

Natera, Inc.
Classification: Likely pathogenic for Cohen syndrome. Last evaluated: 2025-12-15. Review status: criteria provided, single submitter. Criteria: Natera Variant Classification Schema (03/2026). Collection method: clinical testing. Allele origin: germline.
Comment: The c.424_425del variant in VPS13B is a frameshift variant predicted to shift the reading frame beginning at codon 143 and leads to a stop codon 2 codons downstream. This variant is expected to result in nonsense mediated decay, truncation, or a dysfunctional protein product. This variant is rare in the general population with a frequency below the threshold expected for the associated phenotype(s). Given the available evidence, this variant is classified as Likely Pathogenic.

Laboratory of Medical Genetics, National & Kapodistrian University of Athens
Classification: Pathogenic for Cohen syndrome. Last evaluated: 2024-02-01. Review status: criteria provided, single submitter. Criteria: ACMG Guidelines, 2015. Collection method: curation. Allele origin: germline. Affected: no.

Labcorp Genetics (formerly Invitae), Labcorp
Classification: Pathogenic for Cohen syndrome. Last evaluated: 2021-12-23. Review status: criteria provided, single submitter. Criteria: Invitae Variant Classification Sherloc (09022015). Collection method: clinical testing. Allele origin: germline.
Comment: This sequence change creates a premature translational stop signal (p.Leu143Aspfs*2) in the VPS13B gene. It is expected to result in an absent or disrupted protein product. Loss-of-function variants in VPS13B are known to be pathogenic (PMID: 15141358, 16648375, 20461111). This variant is not present in population databases (gnomAD no frequency). This variant has not been reported in the literature in individuals affected with VPS13B-related conditions. ClinVar contains an entry for this variant (Variation ID: 371191). For these reasons, this variant has been classified as Pathogenic.

Blueprint Genetics
Classification: Likely pathogenic for VPS13B-related disorders. Last evaluated: 2018-09-14. Review status: criteria provided, single submitter. Criteria: ACMG Guidelines, 2015. Collection method: clinical testing. Allele origin: germline. Affected: yes. Observed: 1 variant allele.

Counsyl
Classification: Likely pathogenic for Cohen syndrome. Last evaluated: 2016-07-22. Review status: no assertion criteria provided. Collection method: clinical testing. Allele origin: unknown. Not counted in ClinVar's aggregate classification.

Literature cited by the submitters: PubMed 15141358 (cited by Labcorp Genetics (formerly Invitae), Labcorp); PubMed 16648375 (cited by Labcorp Genetics (formerly Invitae), Labcorp); PubMed 20461111 (cited by Labcorp Genetics (formerly Invitae), Labcorp).

NM_152564.5(VPS13B):c.424_425del (p.Leu143fs)

Gene: VPS13B (vacuolar protein sorting 13 homolog B; plus strand). Cytogenetic location: 8q22.2.
Variant type: Microsatellite.
Coding change: c.424_425del on transcript NM_152564.5 (MANE Select); coding-DNA positions 424 to 425, 2 bases deleted (AG; older notation c.424_425delAG).
Protein change: p.Leu143fs; shifts the reading frame from leucine 143.
Molecular consequence: frameshift variant. On other transcripts: non-coding transcript variant (1).
Genome position (GRCh38, 1-based): chr8:99,102,964-99,102,965, AG deleted; deleting any 2 consecutive bases within chr8:99,102,962-99,102,965 gives the same sequence; the c. name uses the placement nearest the transcript's 3' end. VCF-style (leftmost placement, unchanged base first): chr8-99102961-CAG-C. GRCh37 (hg19) VCF-style: chr8-100115189-CAG-C.
Other names: c.424_425del, p.Leu143fs (NM_015243.3, NM_017890.5, NM_181661.3); c.424_425delAG (NM_017890.4); c.424_425del (NM_017890.4); short protein forms L143fs.
Identifiers: ClinVar variation 371191 (VCV000371191.10), dbSNP rs1057517076, ClinGen allele CA16041220.